The following is an entry in ClinVar:

ClinVar aggregate classification (germline): Pathogenic (1 of 4 stars; one submission).

Conditions:
Kleefstra syndrome 1 (KLEFS1). Identifiers: Orphanet 261494, MedGen C0795833, MONDO:0027407, OMIM 610253.

Submission:

Laboratory of Genetics, Children's Clinical University Hospital Latvia
Classification: Pathogenic for Kleefstra syndrome 1. Review status: criteria provided, single submitter. Criteria: ACMG Guidelines, 2015. Collection method: curation. Allele origin: de novo. Affected: yes.
Comment: de novo

Literature cited by the submitters: PubMed 39013458.

NM_024757.5(EHMT1):c.2785_2788del (p.Lys929fs)

Gene: EHMT1 (euchromatic histone lysine methyltransferase 1; plus strand). Cytogenetic location: 9q34.3.
Variant type: Deletion.
Coding change: c.2785_2788del on transcript NM_024757.5 (MANE Select); coding-DNA positions 2785 to 2788, 4 bases deleted (AAGT; older notation c.2785_2788delAAGT).
Protein change: p.Lys929fs; shifts the reading frame from lysine 929.
Molecular consequence: frameshift variant.
Genome position (GRCh38, 1-based): chr9:137,811,533-137,811,536, AAGT deleted. VCF-style (leftmost placement, unchanged base first): chr9-137811532-CAAGT-C. GRCh37 (hg19) VCF-style: chr9-140705984-CAAGT-C.
Other names: c.2764_2767del, p.Lys922fs (NM_001354263.2); short protein forms K922fs, K929fs.
Identifiers: ClinVar variation 3236875 (VCV003236875.1).